The following is an entry in ClinVar:

ClinVar aggregate classification (germline): Pathogenic (1 of 4 stars; one submission).

Conditions:
Retinoblastoma (RB1). Also called: RETINOBLASTOMA, SOMATIC. Identifiers: Orphanet 790, MedGen C0035335, MeSH D012175, MONDO:0008380, OMIM 180200, HP:0009919. Disease mechanism: loss of function. Inheritance: Both sporadic and heritable forms are tested..

Submission:

Variantyx, Inc.
Classification: Pathogenic for Retinoblastoma. Last evaluated: 2025-04-23. Review status: criteria provided, single submitter. Criteria: Variantyx Assertion Criteria 2022. Collection method: clinical testing. Allele origin: germline. Inheritance: Autosomal dominant inheritance. Affected: yes.
Comment: This is a frameshift variant in the RB1 gene (OMIM: 614041). Pathogenic variants in this gene have been associated with autosomal dominant retinoblastoma. The clinical symptoms reported for this individual are highly specific for autosomal dominant retinoblastoma, which has a limited genetic etiology (PMID: 20301625) (PP4). This variant introduces a premature termination codon in exon 6 out of 27 and is expected to result in loss of function, which is a known disease mechanism for RB1 in this disorder (PMID: 17096365, 24688104, 27068507) (PVS1). This variant is absent from control populations (PM2). Based on the current evidence, this variant is classified as pathogenic for autosomal dominant retinoblastoma.

Literature cited by the submitters: PubMed 20301625; PubMed 17096365; PubMed 24688104; PubMed 27068507.

NM_000321.3(RB1):c.583del (p.Trp195fs)

Gene: RB1 (RB transcriptional corepressor 1; plus strand). Cytogenetic location: 13q14.2.
Variant type: Deletion.
Coding change: c.583del on transcript NM_000321.3 (MANE Select); coding-DNA position 583, one base deleted (T; older notation c.583delT).
Protein change: p.Trp195fs; shifts the reading frame from tryptophan 195.
Molecular consequence: frameshift variant.
Genome position (GRCh38, 1-based): chr13:48,348,999, T deleted; the last of 2 consecutive T bases (chr13:48,348,998-48,348,999); deleting either gives the same sequence. VCF-style (leftmost placement, unchanged base first): chr13-48348997-CT-C. GRCh37 (hg19) VCF-style: chr13-48923133-CT-C.
Other names: c.583del, p.Trp195fs (NM_001407165.1, NM_001407166.1); short protein forms W195fs.
Identifiers: ClinVar variation 4850067 (VCV004850067.1).